The following is an entry in ClinVar:

NM_001165963.4(SCN1A):c.135C>T (p.Asp45=)

Gene: SCN1A (sodium voltage-gated channel alpha subunit 1; minus strand). Cytogenetic location: 2q24.3.
Variant type: single nucleotide variant.
Coding change: c.135C>T on transcript NM_001165963.4 (MANE Select); coding-DNA position 135, C replaced by T.
Protein change: p.Asp45=; no amino-acid change (aspartic acid 45 retained).
Molecular consequence: synonymous variant. On other transcripts: 5 prime UTR variant (1), non-coding transcript variant (1).
Genome position (GRCh38, 1-based): chr2:166,073,487, G>A on the plus strand (C>T on the coding strand, the complement: SCN1A is on the minus strand). VCF-style: chr2-166073487-G-A. GRCh37 (hg19) VCF-style: chr2-166929997-G-A.
Other names: c.135C>T, p.Asp45= (NM_001165964.3, NM_001202435.3, NM_001353948.2 and 10 more transcripts); c.-2291C>T (NM_001353961.2).
Identifiers: ClinVar variation 93630 (VCV000093630.18), dbSNP rs201985242, ClinGen allele CA221559.
Genomic context (GRCh38, chr2:166,073,487, plus strand): 5'-ATAAATAAATGGAAGGTTCTTTCCAGCTTCCAAGTCACTATTTGGCTTTGGGCCATTTTC[G>A]TCGTCATCTTTTTTGTCTGGTTTGGGATTCTTTGCCTTTTCTTCTGCAATGCGTCTTTCA-3'
Protein context (NP_001159435.1, residues 35-55): KNPKPDKKDD[Asp45=]ENGPKPNSDL

ClinVar aggregate classification (germline): Conflicting classifications of pathogenicity. Review status: criteria provided, conflicting classifications (1 of 4 stars). 4 submissions from 4 submitters: Uncertain significance (1); Likely benign (3). Last evaluated 2025-09-03.

Conditions:
Early-infantile DEE. Also called: Early infantile epileptic encephalopathy; Ohtahara syndrome; Early infantile epileptic encephalopathy with suppression bursts. Identifiers: Orphanet 1934, MedGen C0393706, MONDO:0800491.

Allele frequency attached by ClinVar (database versions not stated): TOPMed 0.00006; ESP Exome Variant Server 0.00008.
gnomAD v4.1: 25 of 1,613,936 alleles (0.0015%); highest among the groups gnomAD compares: Admixed American, 0.01%; no homozygotes.

Submissions (4):

Labcorp Genetics (formerly Invitae), Labcorp
Classification: Likely benign for Early-infantile DEE. Last evaluated: 2025-09-03. Review status: criteria provided, single submitter. Criteria: Invitae Variant Classification Sherloc (09022015). Collection method: clinical testing. Allele origin: germline.

Women's Health and Genetics/Laboratory Corporation of America, LabCorp
Classification: Likely benign. Last evaluated: 2024-04-25. Review status: criteria provided, single submitter. Criteria: LabCorp Variant Classification Summary - May 2015. Collection method: clinical testing. Allele origin: germline.

GeneDx
Classification: Likely benign. Last evaluated: 2018-03-16. Review status: criteria provided, single submitter. Criteria: GeneDx Variant Classification (06012015). Collection method: clinical testing. Allele origin: germline. Affected: yes.
Comment: This variant is considered likely benign or benign based on one or more of the following criteria: it is a conservative change, it occurs at a poorly conserved position in the protein, it is predicted to be benign by multiple in silico algorithms, and/or has population frequency not consistent with disease.

Eurofins Ntd Llc (ga)
Classification: Uncertain significance. Last evaluated: 2016-10-04. Review status: criteria provided, single submitter. Criteria: EGL Classification Definitions 2015. Collection method: clinical testing. Allele origin: germline. Observed: 2 variant alleles, 2 heterozygotes.